The following is an entry in ClinVar:

NM_001458.5(FLNC):c.289C>T (p.Leu97=)

Gene: FLNC (filamin C; plus strand). Cytogenetic location: 7q32.1.
Variant type: single nucleotide variant.
Coding change: c.289C>T on transcript NM_001458.5 (MANE Select); coding-DNA position 289, C replaced by T.
Protein change: p.Leu97=; no amino-acid change (leucine 97 retained).
Molecular consequence: synonymous variant.
Genome position (GRCh38, 1-based): chr7:128,830,926, C>T. VCF-style: chr7-128830926-C-T. GRCh37 (hg19) VCF-style: chr7-128470980-C-T.
Other names: c.289C>T, p.Leu97= (NM_001127487.2).
Identifiers: ClinVar variation 1706728 (VCV001706728.8), dbSNP rs1807862141, ClinGen allele CA457846145.

ClinVar aggregate classification (germline): Likely benign. Review status: criteria provided, multiple submitters, no conflicts (2 of 4 stars). 3 submissions from 3 submitters: Likely benign (3). Last evaluated 2024-07-24.

Conditions:
Distal myopathy with posterior leg and anterior hand involvement. Also called: WILLIAMS DISTAL MYOPATHY. Identifiers: Orphanet 63273, MedGen C3279722, MONDO:0013550, OMIM 614065.
Myofibrillar myopathy 5. Also called: Filaminopathy (type); FILAMINOPATHY, AUTOSOMAL DOMINANT. Identifiers: Orphanet 171445, MedGen C1836050, MONDO:0012289, OMIM 609524.
Hypertrophic cardiomyopathy 26. Also called: Cardiomyopathy, familial hypertrophic, 26. Identifiers: Orphanet 75249, MedGen C4310749, MONDO:0014883, OMIM 617047.

Allele frequency attached by ClinVar (database versions not stated): gnomAD exomes below 0.00001; TOPMed below 0.00001.

Submissions (3):

Labcorp Genetics (formerly Invitae), Labcorp
Classification: Likely benign for Distal myopathy with posterior leg and anterior hand involvement; Myofibrillar myopathy 5; Hypertrophic cardiomyopathy 26. Last evaluated: 2024-07-24. Review status: criteria provided, single submitter. Criteria: Invitae Variant Classification Sherloc (09022015). Collection method: clinical testing. Allele origin: germline.

GeneDx
Classification: Likely benign. Last evaluated: 2019-06-27. Review status: criteria provided, single submitter. Criteria: GeneDx Variant Classification Process June 2021. Collection method: clinical testing. Allele origin: germline. Affected: yes.
Comment: See Variant Classification Assertion Criteria.

Blueprint Genetics
Classification: Likely benign. Last evaluated: 2018-10-31. Review status: criteria provided, single submitter. Criteria: ACMG Guidelines, 2015. Collection method: clinical testing. Allele origin: germline.